The following is an entry in ClinVar:

NM_005188.4(CBL):c.625C>G (p.Leu209Val)

Gene: CBL (Cbl proto-oncogene; plus strand). Cytogenetic location: 11q23.3.
Variant type: single nucleotide variant.
Coding change: c.625C>G on transcript NM_005188.4 (MANE Select); coding-DNA position 625, C replaced by G.
Protein change: p.Leu209Val; replaces leucine 209 with valine.
Molecular consequence: missense variant.
Genome position (GRCh38, 1-based): chr11:119,273,902, C>G. VCF-style: chr11-119273902-C-G. GRCh37 (hg19) VCF-style: chr11-119144612-C-G.
Other names: short protein forms L209V.
Identifiers: ClinVar variation 302776 (VCV000302776.20), dbSNP rs767162260, ClinGen allele CA6318321.

ClinVar aggregate classification (germline): Uncertain significance. Review status: criteria provided, multiple submitters, no conflicts (2 of 4 stars). 3 submissions from 3 submitters: Uncertain significance (3). Last evaluated 2024-12-23.

Conditions:
RASopathy. Also called: rasopathies; Noonan spectrum disorder. Identifiers: Orphanet 536391, MedGen C5555857, MONDO:0021060.
CBL-related disorder. Also called: NOONAN SYNDROME-LIKE DISORDER WITHOUT JUVENILE MYELOMONOCYTIC LEUKEMIA; CBL MUTATION-ASSOCIATED SYNDROME; CBL SYNDROME. Identifiers: Orphanet 363972, MedGen C3150803, MONDO:0013308, OMIM 613563.
Noonan syndrome and Noonan-related syndrome. Identifiers: Orphanet 98733, MedGen C5681679, MONDO:0020297.

Allele frequency attached by ClinVar (database versions not stated): gnomAD exomes below 0.00001; ExAC 0.00001; gnomAD 0.00001; TOPMed 0.00002.

Submissions (3):

Labcorp Genetics (formerly Invitae), Labcorp
Classification: Uncertain significance for RASopathy. Last evaluated: 2024-12-23. Review status: criteria provided, single submitter. Criteria: Invitae Variant Classification Sherloc (09022015). Collection method: clinical testing. Allele origin: germline.
Comment: This sequence change replaces leucine, which is neutral and non-polar, with valine, which is neutral and non-polar, at codon 209 of the CBL protein (p.Leu209Val). This variant is present in population databases (rs767162260, gnomAD 0.003%). This variant has not been reported in the literature in individuals affected with CBL-related conditions. ClinVar contains an entry for this variant (Variation ID: 302776). Invitae Evidence Modeling of protein sequence and biophysical properties (such as structural, functional, and spatial information, amino acid conservation, physicochemical variation, residue mobility, and thermodynamic stability) indicates that this missense variant is expected to disrupt CBL protein function with a positive predictive value of 95%. In summary, the available evidence is currently insufficient to determine the role of this variant in disease. Therefore, it has been classified as a Variant of Uncertain Significance.

Genome Diagnostics Laboratory, The Hospital for Sick Children
Classification: Uncertain significance for Noonan syndrome and Noonan-related syndrome. Last evaluated: 2019-12-01. Review status: criteria provided, single submitter. Criteria: ACMG Guidelines, 2015. Collection method: clinical testing. Allele origin: germline.

Illumina Laboratory Services, Illumina
Classification: Uncertain significance for CBL-related disorder. Last evaluated: 2018-01-13. Review status: criteria provided, single submitter. Criteria: ICSL Variant Classification Criteria 13 December 2019. Collection method: clinical testing. Allele origin: germline.